The following is an entry in ClinVar:

NM_020821.3(VPS13C):c.1580A>G (p.Tyr527Cys)

Gene: VPS13C (vacuolar protein sorting 13 homolog C; minus strand). Cytogenetic location: 15q22.2.
Variant type: single nucleotide variant.
Coding change: c.1580A>G on transcript NM_020821.3 (MANE Select); coding-DNA position 1580, A replaced by G.
Protein change: p.Tyr527Cys; replaces tyrosine 527 with cysteine.
Molecular consequence: missense variant.
Genome position (GRCh38, 1-based): chr15:61,984,998, T>C on the plus strand (A>G on the coding strand, the complement: VPS13C is on the minus strand). VCF-style: chr15-61984998-T-C. GRCh37 (hg19) VCF-style: chr15-62277197-T-C.
Other names: c.1580A>G, p.Tyr527Cys (NM_001018088.3); c.1451A>G, p.Tyr484Cys (NM_017684.5, NM_018080.4); short protein forms Y484C, Y527C.
Identifiers: ClinVar variation 1810193 (VCV001810193.1), dbSNP rs775512690, ClinGen allele CA7596987.

ClinVar aggregate classification (germline): Uncertain significance (1 of 4 stars; one submission).

Allele frequency attached by ClinVar (database versions not stated): gnomAD exomes below 0.00001; TOPMed below 0.00001; ExAC 0.00001; gnomAD 0.00001.
gnomAD v4.1: 4 of 1,489,674 alleles (0.00027%); highest among the groups gnomAD compares: Admixed American, 0.0024%; no homozygotes.

Submission:

GeneDx
Classification: Uncertain significance. Last evaluated: 2022-06-29. Review status: criteria provided, single submitter. Criteria: GeneDx Variant Classification Process June 2021. Collection method: clinical testing. Allele origin: germline. Affected: yes.
Comment: Not observed at significant frequency in large population cohorts (gnomAD); In silico analysis supports that this missense variant has a deleterious effect on protein structure/function; Has not been previously published as pathogenic or benign to our knowledge